The following is an entry in ClinVar:

ClinVar aggregate classification (germline): Uncertain significance (1 of 4 stars; one submission).

Conditions:
Wilson disease (WND). Also called: Wilson's disease. Identifiers: Orphanet 905, MedGen C0019202, MONDO:0010200, OMIM 277900. Disease mechanism: loss of function.

gnomAD v4.1: 10 of 1,613,976 alleles (0.00062%); highest among the groups gnomAD compares: Non-Finnish European, 0.00085%; no homozygotes.

Submission:

All of Us Research Program, National Institutes of Health
Classification: Uncertain significance for Wilson disease. Last evaluated: 2024-09-23. Review status: criteria provided, single submitter. Criteria: ACMG Guidelines, 2015. Collection method: clinical testing. Allele origin: germline. Inheritance: Autosomal recessive inheritance. Observed: 2 variant alleles, 2 heterozygotes.
Comment: This study involves interpretation of variants in research participants for the purpose of population health screening. Participant phenotype was not available at the time of variant classification. Additional details can be found in publication PMID: 35346344, PMCID: PMC8962531

NM_000053.4(ATP7B):c.3209C>T (p.Pro1070Leu)

Gene: ATP7B (ATPase copper transporting beta; minus strand). Cytogenetic location: 13q14.3.
Variant type: single nucleotide variant.
Coding change: c.3209C>T on transcript NM_000053.4 (MANE Select); coding-DNA position 3209, C replaced by T.
Protein change: p.Pro1070Leu; replaces proline 1070 with leucine.
Molecular consequence: missense variant. On other transcripts: intron variant (1).
Genome position (GRCh38, 1-based): chr13:51,944,143, G>A on the plus strand (C>T on the coding strand, the complement: ATP7B is on the minus strand). VCF-style: chr13-51944143-G-A. GRCh37 (hg19) VCF-style: chr13-52518279-G-A.
Other names: c.3113C>T, p.Pro1038Leu (NM_001406518.1, NM_001406517.1); c.2969C>T, p.Pro990Leu (NM_001406530.1); c.2957C>T, p.Pro986Leu (NM_001406531.1, NM_001406532.1, NM_001330579.2); c.3209C>T, p.Pro1070Leu (NM_001406511.1, NM_001406512.1, NM_001406526.1); c.3203C>T, p.Pro1068Leu (NM_001406513.1); c.3176C>T, p.Pro1059Leu (NM_001406514.1); c.2975C>T, p.Pro992Leu (NM_001330578.2, NM_001406538.1, NM_001406527.1 and 1 more transcripts); c.3155C>T, p.Pro1052Leu (NM_001406515.1, NM_001406516.1); and 19 more; short protein forms P1005L, P1011L, P1022L, P1025L, P1038L, P1052L, P1059L, P1068L.
Identifiers: ClinVar variation 3387516 (VCV003387516.1).